The following is an entry in ClinVar:

NM_152305.3(POGLUT1):c.1163T>G (p.Leu388Trp)

Gene: POGLUT1 (protein O-glucosyltransferase 1; plus strand). Cytogenetic location: 3q13.33.
Variant type: single nucleotide variant.
Coding change: c.1163T>G on transcript NM_152305.3 (MANE Select); coding-DNA position 1163, T replaced by G.
Protein change: p.Leu388Trp; replaces leucine 388 with tryptophan.
Molecular consequence: missense variant. On other transcripts: non-coding transcript variant (1).
Genome position (GRCh38, 1-based): chr3:119,492,422, T>G. VCF-style: chr3-119492422-T-G. GRCh37 (hg19) VCF-style: chr3-119211269-T-G.
Other names: short protein forms L388W.
Identifiers: ClinVar variation 4725177 (VCV004725177.1).
Genomic context (GRCh38, chr3:119,492,422, plus strand): 5'-AATTCCTGTCTTATAATGTAACGAGAAGGAAAGGTTATGATCAAATTATTCCCAAAATGT[T>G]GAAAACTGAACTATAGTAGTCATCATAGGACCATAGTCCTCTTTGTGGCAACAGATCTCA-3'
Protein context (NP_689518.1, residues 378-392): KGYDQIIPKM[Leu388Trp]KTEL

ClinVar aggregate classification (germline): Uncertain significance (1 of 4 stars; one submission).

Submission:

Labcorp Genetics (formerly Invitae), Labcorp
Classification: Uncertain significance. Last evaluated: 2025-08-16. Review status: criteria provided, single submitter. Criteria: Invitae Variant Classification Sherloc (09022015). Collection method: clinical testing. Allele origin: germline.
Comment: This sequence change replaces leucine, which is neutral and non-polar, with tryptophan, which is neutral and slightly polar, at codon 388 of the POGLUT1 protein (p.Leu388Trp). This variant is not present in population databases (gnomAD no frequency). This variant has not been reported in the literature in individuals affected with POGLUT1-related conditions. An algorithm developed to predict the effect of missense changes on protein structure and function outputs the following: PolyPhen-2: "Benign". The tryptophan amino acid residue is found in multiple mammalian species, which suggests that this missense change does not adversely affect protein function. In summary, the available evidence is currently insufficient to determine the role of this variant in disease. Therefore, it has been classified as a Variant of Uncertain Significance.